The following is an entry in ClinVar:

ClinVar aggregate classification (germline): Uncertain significance (1 of 4 stars; one submission).

Conditions:
Hereditary cancer-predisposing syndrome. Also called: Neoplastic Syndromes, Hereditary; Tumor predisposition; Hereditary Cancer Syndrome; Hereditary neoplastic syndrome. Identifiers: Orphanet 140162, MedGen C0027672, MeSH D009386, MONDO:0015356.

Submission:

Ambry Genetics
Classification: Uncertain significance for Hereditary cancer-predisposing syndrome. Last evaluated: 2017-03-29. Review status: criteria provided, single submitter. Criteria: Ambry Variant Classification Scheme 2023. Collection method: clinical testing. Allele origin: germline.
Comment: The p.T1011P variant (also known as c.3031A>C), located in coding exon 19 of the ATM gene, results from an A to C substitution at nucleotide position 3031. The threonine at codon 1011 is replaced by proline, an amino acid with highly similar properties. This amino acid position is not well conserved in available vertebrate species. In addition, this alteration is predicted to be tolerated by in silico analysis. Since supporting evidence is limited at this time, the clinical significance of this alteration remains unclear.

NM_000051.4(ATM):c.3031A>C (p.Thr1011Pro)

Gene: ATM (ATM serine/threonine kinase; plus strand). Cytogenetic location: 11q22.3.
Variant type: single nucleotide variant.
Coding change: c.3031A>C on transcript NM_000051.4 (MANE Select); coding-DNA position 3031, A replaced by C.
Protein change: p.Thr1011Pro; replaces threonine 1011 with proline.
Molecular consequence: missense variant.
Genome position (GRCh38, 1-based): chr11:108,271,360, A>C. VCF-style: chr11-108271360-A-C. GRCh37 (hg19) VCF-style: chr11-108142087-A-C.
Other names: c.3031A>C, p.Thr1011Pro (NM_001351834.2); short protein forms T1011P.
Identifiers: ClinVar variation 482708 (VCV000482708.5), dbSNP rs959314809, ClinGen allele CA382547531.
Genomic context (GRCh38, chr11:108,271,360, plus strand): 5'-TTAAACCATGTCCTTCATGTAGTGAAAAACCTAGGTCAAAGCAATATGGACTCTGAGAAC[A>C]CAAGGGATGCTCAAGGACAGTTTCTTACAGTAATTGGAGCATTTTGGTAGGTACAGTCTA-3'
Protein context (NP_000042.3, residues 1001-1021): LGQSNMDSEN[Thr1011Pro]RDAQGQFLTV